The following is an entry in ClinVar:

NM_181523.3(PIK3R1):c.170A>G (p.Asn57Ser)

Gene: PIK3R1 (phosphoinositide-3-kinase regulatory subunit 1; plus strand). Cytogenetic location: 5q13.1.
Variant type: single nucleotide variant.
Coding change: c.170A>G on transcript NM_181523.3 (MANE Select); coding-DNA position 170, A replaced by G.
Protein change: p.Asn57Ser; replaces asparagine 57 with serine.
Molecular consequence: missense variant.
Genome position (GRCh38, 1-based): chr5:68,226,845, A>G. VCF-style: chr5-68226845-A-G. GRCh37 (hg19) VCF-style: chr5-67522673-A-G.
Other names: short protein forms N57S.
Identifiers: ClinVar variation 661141 (VCV000661141.10), dbSNP rs1580173662, ClinGen allele CA359979730.

ClinVar aggregate classification (germline): Uncertain significance. Review status: criteria provided, single submitter (1 of 4 stars). 2 submissions from 2 submitters: Uncertain significance (1). 1 of the submissions does not count toward it. Last evaluated 2020-06-24.

Conditions:
Immunodeficiency 14 (IMD14A). Also called: p110-DELTA-ACTIVATING MUTATION CAUSING SENESCENT T CELLS, LYMPHADENOPATHY, AND IMMUNODEFICIENCY; IMMUNODEFICIENCY 14A WITH LYMPHOPROLIFERATION, AUTOSOMAL DOMINANT; ACTIVATED PI3K-DELTA SYNDROME 1; Activated PI3K Delta Syndrome Type 1 (APDS1). Identifiers: Orphanet 397596, Orphanet 693661, MedGen C5907821, MONDO:0014222, OMIM 615513.
SHORT syndrome. Also called: PIK3R1-Related SHORT Syndrome; SHORT STATURE, HYPEREXTENSIBILITY, HERNIA, OCULAR DEPRESSION, RIEGER ANOMALY, AND TEETHING DELAY; LIPODYSTROPHY, PARTIAL, WITH RIEGER ANOMALY AND SHORT STATURE. Identifiers: Orphanet 3163, MedGen C0878684, MONDO:0010026, OMIM 269880.
Immunodeficiency 36 with lymphoproliferation. Also called: Immunodeficiency 36; ACTIVATED PI3K-DELTA SYNDROME 2; Activated PI3K Delta Syndrome Type 2 (APDS2). Identifiers: Orphanet 397596, Orphanet 693681, MedGen C4014934, MONDO:0014453, OMIM 616005.
Agammaglobulinemia 7, autosomal recessive (AGM7). Also called: AGAMMAGLOBULINEMIA, AUTOSOMAL RECESSIVE, DUE TO PIK3R1 DEFECT. Identifiers: MedGen C3554689, MONDO:0014083, OMIM 615214.

Submissions (2):

Labcorp Genetics (formerly Invitae), Labcorp
Classification: Uncertain significance for SHORT syndrome; Immunodeficiency 36 with lymphoproliferation; Agammaglobulinemia 7, autosomal recessive. Last evaluated: 2020-06-24. Review status: criteria provided, single submitter. Criteria: Invitae Variant Classification Sherloc (09022015). Collection method: clinical testing. Allele origin: germline.
Comment: In summary, the available evidence is currently insufficient to determine the role of this variant in disease. Therefore, it has been classified as a Variant of Uncertain Significance. Algorithms developed to predict the effect of missense changes on protein structure and function output the following: SIFT: "Tolerated"; PolyPhen-2: "Benign"; Align-GVGD: "Class C0". The serine amino acid residue is found in multiple mammalian species, suggesting that this missense change does not adversely affect protein function. These predictions have not been confirmed by published functional studies and their clinical significance is uncertain. This variant has not been reported in the literature in individuals with PIK3R1-related disease. This variant is not present in population databases (ExAC no frequency). This sequence change replaces asparagine with serine at codon 57 of the PIK3R1 protein (p.Asn57Ser). The asparagine residue is moderately conserved and there is a small physicochemical difference between asparagine and serine.

Rarefied Biosciences Lab
Classification: Likely benign for Immunodeficiency 14. Review status: no assertion criteria provided. Collection method: research. Allele origin: unknown. Affected: yes. Not counted in ClinVar's aggregate classification.
Comment: The PIK3R1 c.170A>G (p.Asn57Ser) missense variant is absent from population databases. Multiple computational prediction tools support a benign effect on protein function, including REVEL (0.180), AlphaMissense (0.0639), BayesDel (-0.368), CADD (1.62), and MetaRNN (0.0871). Functional immune studies demonstrated no abnormal mTOR signaling and normal TFH and transitional B-cell populations, arguing against a deleterious effect. Taken together, the available evidence supports a likely benign classification.

Literature cited by the submitters: PubMed 31031754 (cited by Rarefied Biosciences Lab).